The following is an entry in ClinVar:

ClinVar aggregate classification (germline): Uncertain significance (1 of 4 stars; one submission).

gnomAD v4.1: 2 of 1,613,904 alleles (0.00012%); highest among the groups gnomAD compares: African/African-American, 0.0013%; no homozygotes.

Submission:

Mayo Clinic Laboratories, Mayo Clinic
Classification: Uncertain significance. Last evaluated: 2025-08-28. Review status: criteria provided, single submitter. Criteria: ACMG Guidelines, 2015. Collection method: clinical testing. Allele origin: germline. Observed: 1 variant allele.
Comment: BP4_moderate

NM_182961.4(SYNE1):c.15439G>A (p.Ala5147Thr)

Gene: SYNE1 (spectrin repeat containing nuclear envelope protein 1; minus strand). Cytogenetic location: 6q25.2.
Variant type: single nucleotide variant.
Coding change: c.15439G>A on transcript NM_182961.4 (MANE Select); coding-DNA position 15439, G replaced by A.
Protein change: p.Ala5147Thr; replaces alanine 5147 with threonine.
Molecular consequence: missense variant.
Genome position (GRCh38, 1-based): chr6:152,325,302, C>T on the plus strand (G>A on the coding strand, the complement: SYNE1 is on the minus strand). VCF-style: chr6-152325302-C-T. GRCh37 (hg19) VCF-style: chr6-152646437-C-T.
Other names: p.Ala5076Thr; c.15226G>A, p.Ala5076Thr (NM_033071.5); short protein forms A5076T, A5147T.
Identifiers: ClinVar variation 4541241 (VCV004541241.1).